The following is an entry in ClinVar:

ClinVar aggregate classification (germline): Uncertain significance (1 of 4 stars; one submission).

Conditions:
Hereditary spastic paraplegia 3A (SPG3A). Also called: SPASTIC PARAPLEGIA 3, AUTOSOMAL DOMINANT; FAMILIAL SPASTIC PARAPLEGIA, AUTOSOMAL DOMINANT, 1; SPG3; STRUMPELL DISEASE; Spastic Paraplegia 3A; Spastic paraplegia 3A, autosomal dominant. Identifiers: Orphanet 100984, MedGen C2931355, MONDO:0008437, OMIM 182600.

Allele frequency attached by ClinVar (database versions not stated): TOPMed below 0.00001.

Submission:

Labcorp Genetics (formerly Invitae), Labcorp
Classification: Uncertain significance for Hereditary spastic paraplegia 3A. Last evaluated: 2023-08-17. Review status: criteria provided, single submitter. Criteria: Invitae Variant Classification Sherloc (09022015). Collection method: clinical testing. Allele origin: germline.
Comment: An algorithm developed to predict the effect of missense changes on protein structure and function (PolyPhen-2) suggests that this variant is likely to be tolerated. In summary, the available evidence is currently insufficient to determine the role of this variant in disease. Therefore, it has been classified as a Variant of Uncertain Significance. ClinVar contains an entry for this variant (Variation ID: 1900067). This variant has not been reported in the literature in individuals affected with ATL1-related conditions. This variant is not present in population databases (gnomAD no frequency). This sequence change replaces glutamic acid, which is acidic and polar, with aspartic acid, which is acidic and polar, at codon 288 of the ATL1 protein (p.Glu288Asp).

NM_015915.5(ATL1):c.864A>C (p.Glu288Asp)

Gene: ATL1 (atlastin GTPase 1; plus strand). Cytogenetic location: 14q22.1.
Variant type: single nucleotide variant.
Coding change: c.864A>C on transcript NM_015915.5 (MANE Select); coding-DNA position 864, A replaced by C.
Protein change: p.Glu288Asp; replaces glutamic acid 288 with aspartic acid.
Molecular consequence: missense variant.
Genome position (GRCh38, 1-based): chr14:50,620,600, A>C. VCF-style: chr14-50620600-A-C. GRCh37 (hg19) VCF-style: chr14-51087318-A-C.
Other names: c.864A>C, p.Glu288Asp (NM_001127713.1, NM_181598.4); short protein forms E288D.
Identifiers: ClinVar variation 1900067 (VCV001900067.5), dbSNP rs1219858572, ClinGen allele CA389673054.